The following is an entry in ClinVar:

ClinVar aggregate classification (germline): Uncertain significance (1 of 4 stars; one submission).

Allele frequency attached by ClinVar (database versions not stated): TOPMed below 0.00001.

Submission:

Labcorp Genetics (formerly Invitae), Labcorp
Classification: Uncertain significance. Last evaluated: 2023-11-06. Review status: criteria provided, single submitter. Criteria: Invitae Variant Classification Sherloc (09022015). Collection method: clinical testing. Allele origin: germline.
Comment: This sequence change replaces valine, which is neutral and non-polar, with leucine, which is neutral and non-polar, at codon 12 of the CYC1 protein (p.Val12Leu). This variant is not present in population databases (gnomAD no frequency). This variant has not been reported in the literature in individuals affected with CYC1-related conditions. An algorithm developed to predict the effect of missense changes on protein structure and function (PolyPhen-2) suggests that this variant is likely to be tolerated. In summary, the available evidence is currently insufficient to determine the role of this variant in disease. Therefore, it has been classified as a Variant of Uncertain Significance.

NM_001916.5(CYC1):c.34G>C (p.Val12Leu)

Gene: CYC1 (cytochrome c1; plus strand). Cytogenetic location: 8q24.3.
Variant type: single nucleotide variant.
Coding change: c.34G>C on transcript NM_001916.5 (MANE Select); coding-DNA position 34, G replaced by C.
Protein change: p.Val12Leu; replaces valine 12 with leucine.
Molecular consequence: missense variant.
Genome position (GRCh38, 1-based): chr8:144,095,133, G>C. VCF-style: chr8-144095133-G-C. GRCh37 (hg19) VCF-style: chr8-145150036-G-C.
Other names: short protein forms V12L.
Identifiers: ClinVar variation 2967696 (VCV002967696.3), dbSNP rs1836122668, ClinGen allele CA372517416.